The following is an entry in ClinVar:

NM_000059.4(BRCA2):c.9738C>T (p.Ala3246=)

Gene: BRCA2 (BRCA2 DNA repair associated; plus strand). Cytogenetic location: 13q13.1.
Variant type: single nucleotide variant.
Coding change: c.9738C>T on transcript NM_000059.4 (MANE Select); coding-DNA position 9738, C replaced by T.
Protein change: p.Ala3246=; no amino-acid change (alanine 3246 retained).
Molecular consequence: synonymous variant.
Genome position (GRCh38, 1-based): chr13:32,398,251, C>T. VCF-style: chr13-32398251-C-T. GRCh37 (hg19) VCF-style: chr13-32972388-C-T.
Other names: A3246A; p.A3246A:GCC>GCT.
Identifiers: ClinVar variation 52896 (VCV000052896.36), dbSNP rs80359811, ClinGen allele CA026290.

ClinVar aggregate classification (germline): Benign. Review status: reviewed by expert panel (3 of 4 stars). 11 submissions from 11 submitters: Benign (1). 10 of the submissions do not count toward it. Last evaluated 2017-06-29.

Conditions:
Hereditary breast ovarian cancer syndrome. Also called: Hereditary breast and ovarian cancer syndrome; Hereditary breast and ovarian cancer; Hereditary breast and ovarian cancer syndrome (HBOC); Breast and ovarian cancer; Hereditary breast and/or ovarian cancer syndrome; BRCA1- and BRCA2-Associated Hereditary Breast and Ovarian Cancer. Identifiers: Orphanet 145, MedGen C0677776, MeSH D061325, MONDO:0003582. Disease mechanism: loss of function.
Hereditary cancer-predisposing syndrome. Also called: Neoplastic Syndromes, Hereditary; Tumor predisposition; Hereditary neoplastic syndrome; Hereditary Cancer Syndrome. Identifiers: Orphanet 140162, MedGen C0027672, MeSH D009386, MONDO:0015356.
Breast-ovarian cancer, familial, susceptibility to, 2 (BROVCA2). Also called: BRCA2 Hereditary Breast and Ovarian Cancer. Identifiers: Orphanet 145, MedGen C2675520, MONDO:0012933, OMIM 612555. Disease mechanism: loss of function.
Familial cancer of breast. Also called: BREAST CANCER, FAMILIAL; Hereditary breast cancer; hereditary breast carcinoma. Identifiers: Orphanet 227535, MedGen C0346153, MONDO:0016419, OMIM 114480. Disease mechanism: loss of function.

Allele frequency attached by ClinVar (database versions not stated): gnomAD 0.00005; TOPMed 0.00009.
gnomAD v4.1: 89 of 1,613,924 alleles (0.0055%); highest among the groups gnomAD compares: Admixed American, 0.14%; 1 homozygote.

Submissions (11):

Evidence-based Network for the Interpretation of Germline Mutant Alleles (ENIGMA)
Classification: Benign for Breast-ovarian cancer, familial, susceptibility to, 2. Last evaluated: 2017-06-29. Review status: reviewed by expert panel. Criteria: ENIGMA BRCA1/2 Classification Criteria (2017-06-29). Collection method: curation. Allele origin: germline.
Comment: Synonymous substitution variant, with low bioinformatic likelihood to alter mRNA splicing (splicing prior 0.02) and frequency 0.0025 (Admixed American/Latino), derived from ExAC (2014-12-17).

Labcorp Genetics (formerly Invitae), Labcorp
Classification: Benign for Hereditary breast ovarian cancer syndrome. Last evaluated: 2026-01-31. Review status: criteria provided, single submitter. Criteria: Invitae Variant Classification Sherloc (09022015). Collection method: clinical testing. Allele origin: germline. Not counted in ClinVar's aggregate classification.

ARUP Laboratories, Molecular Genetics and Genomics, ARUP Laboratories
Classification: Benign. Last evaluated: 2025-04-11. Review status: criteria provided, single submitter. Criteria: ARUP Molecular Germline Variant Investigation Process 2024. Collection method: clinical testing. Allele origin: germline. Not counted in ClinVar's aggregate classification.

Women's Health and Genetics/Laboratory Corporation of America, LabCorp
Classification: Likely benign. Last evaluated: 2024-03-15. Review status: criteria provided, single submitter. Criteria: LabCorp Variant Classification Summary - May 2015. Collection method: clinical testing. Allele origin: germline. Not counted in ClinVar's aggregate classification.

Department of Pathology and Laboratory Medicine, Sinai Health System
Classification: Benign for Familial cancer of breast; Breast-ovarian cancer, familial, susceptibility to, 2. Last evaluated: 2023-05-26. Review status: criteria provided, single submitter. Criteria: ACMG Guidelines, 2015. Collection method: clinical testing. Allele origin: germline. Affected: yes. Not counted in ClinVar's aggregate classification.

Sema4
Classification: Benign for Hereditary cancer-predisposing syndrome. Last evaluated: 2021-10-27. Review status: criteria provided, single submitter. Criteria: Sema4 Curation Guidelines. Collection method: curation. Allele origin: germline. Not counted in ClinVar's aggregate classification.

Genetic Services Laboratory, University of Chicago
Classification: Likely benign. Last evaluated: 2021-04-05. Review status: criteria provided, single submitter. Criteria: ACMG Guidelines, 2015. Collection method: clinical testing. Allele origin: germline. Affected: no. Not counted in ClinVar's aggregate classification.

Color Diagnostics, LLC DBA Color Health
Classification: Likely benign for Hereditary cancer-predisposing syndrome. Last evaluated: 2016-11-18. Review status: criteria provided, single submitter. Criteria: ACMG Guidelines, 2015. Collection method: clinical testing. Allele origin: germline. Not counted in ClinVar's aggregate classification.

Ambry Genetics
Classification: Likely benign for Hereditary cancer-predisposing syndrome. Last evaluated: 2014-06-18. Review status: criteria provided, single submitter. Criteria: Ambry Variant Classification Scheme 2023. Collection method: clinical testing. Allele origin: germline. Not counted in ClinVar's aggregate classification.

GeneDx
Classification: Benign. Last evaluated: 2014-03-10. Review status: criteria provided, single submitter. Criteria: GeneDx Variant Classification (06012015). Collection method: clinical testing. Allele origin: germline. Affected: yes. Not counted in ClinVar's aggregate classification.
Comment: This variant is considered likely benign or benign based on one or more of the following criteria: it is a conservative change, it occurs at a poorly conserved position in the protein, it is predicted to be benign by multiple in silico algorithms, and/or has population frequency not consistent with disease.

Breast Cancer Information Core (BIC) (BRCA2)
Classification: Uncertain significance for Breast-ovarian cancer, familial 2. Last evaluated: 2003-10-29. Review status: no assertion criteria provided. Collection method: clinical testing. Allele origin: unknown. Affected: yes. Observed: 1 variant allele. Not counted in ClinVar's aggregate classification.

Literature cited by the submitters: PubMed 12442275 (cited by Women's Health and Genetics/Laboratory Corporation of America, LabCorp); PubMed 15889636 (cited by Women's Health and Genetics/Laboratory Corporation of America, LabCorp).